The following is an entry in ClinVar:

ClinVar aggregate classification (germline): Uncertain significance (1 of 4 stars; one submission).

Conditions:
Leber congenital amaurosis 13 (LCA13). Identifiers: MedGen C2675186, MONDO:0012990, OMIM 612712.

Submission:

Labcorp Genetics (formerly Invitae), Labcorp
Classification: Uncertain significance for Leber congenital amaurosis 13. Last evaluated: 2024-04-13. Review status: criteria provided, single submitter. Criteria: Invitae Variant Classification Sherloc (09022015). Collection method: clinical testing. Allele origin: germline.
Comment: This sequence change replaces serine, which is neutral and polar, with glycine, which is neutral and non-polar, at codon 81 of the RDH12 protein (p.Ser81Gly). This variant is not present in population databases (gnomAD no frequency). This variant has not been reported in the literature in individuals affected with RDH12-related conditions. Advanced modeling of protein sequence and biophysical properties (such as structural, functional, and spatial information, amino acid conservation, physicochemical variation, residue mobility, and thermodynamic stability) performed at Invitae indicates that this missense variant is not expected to disrupt RDH12 protein function with a negative predictive value of 80%. In summary, the available evidence is currently insufficient to determine the role of this variant in disease. Therefore, it has been classified as a Variant of Uncertain Significance.

NM_152443.3(RDH12):c.241A>G (p.Ser81Gly)

Genes: RDH12 (retinol dehydrogenase 12; plus strand), GPHN (gephyrin; plus strand). Cytogenetic location: 14q24.1.
Variant type: single nucleotide variant.
Coding change: c.241A>G on transcript NM_152443.3 (MANE Select); coding-DNA position 241, A replaced by G.
Protein change: p.Ser81Gly; replaces serine 81 with glycine.
Molecular consequence: missense variant.
Genome position (GRCh38, 1-based): chr14:67,725,152, A>G. VCF-style: chr14-67725152-A-G. GRCh37 (hg19) VCF-style: chr14-68191869-A-G.
Other names: short protein forms S81G.
Identifiers: ClinVar variation 3628551 (VCV003628551.2).